The following is an entry in ClinVar:

NM_006899.5(IDH3B):c.532-2A>G

Gene: IDH3B (isocitrate dehydrogenase (NAD(+)) 3 non-catalytic subunit beta; minus strand). Cytogenetic location: 20p13.
Variant type: single nucleotide variant.
Coding change: c.532-2A>G on transcript NM_006899.5 (MANE Select); the canonical splice acceptor site of the intron before coding-DNA position 532, A replaced by G.
Molecular consequence: splice acceptor variant.
Genome position (GRCh38, 1-based): chr20:2,660,592, T>C on the plus strand (A>G on the coding strand, the complement: IDH3B is on the minus strand). VCF-style: chr20-2660592-T-C. GRCh37 (hg19) VCF-style: chr20-2641238-T-C.
Other names: c.532-2A>G (NM_174855.4, NM_001330763.2, NM_001258384.3).
Identifiers: ClinVar variation 2119719 (VCV002119719.4), dbSNP rs2514760524, ClinGen allele CA408038017.

ClinVar aggregate classification (germline): Likely pathogenic (1 of 4 stars; one submission).

Allele frequency attached by ClinVar (database versions not stated): gnomAD exomes below 0.00001.
gnomAD v4.1: 3 of 1,614,062 alleles (0.00019%); highest among the groups gnomAD compares: Non-Finnish European, 0.00025%; no homozygotes.

Submission:

Labcorp Genetics (formerly Invitae), Labcorp
Classification: Likely pathogenic. Last evaluated: 2025-01-27. Review status: criteria provided, single submitter. Criteria: Invitae Variant Classification Sherloc (09022015). Collection method: clinical testing. Allele origin: germline.
Comment: This sequence change affects an acceptor splice site in intron 6 of the IDH3B gene. It is expected to disrupt RNA splicing. Variants that disrupt the donor or acceptor splice site typically lead to a loss of protein function (PMID: 16199547), and loss-of-function variants in IDH3B are known to be pathogenic (PMID: 18806796). This variant is not present in population databases (gnomAD no frequency). This variant has not been reported in the literature in individuals affected with IDH3B-related conditions. ClinVar contains an entry for this variant (Variation ID: 2119719). Algorithms developed to predict the effect of sequence changes on RNA splicing suggest that this variant may disrupt the consensus splice site. In summary, the currently available evidence indicates that the variant is pathogenic, but additional data are needed to prove that conclusively. Therefore, this variant has been classified as Likely Pathogenic.

Literature cited by the submitters: PubMed 16199547; PubMed 18806796.